The following is an entry in ClinVar:

ClinVar aggregate classification (germline): Uncertain significance (1 of 4 stars; one submission).

Submission:

GeneDx
Classification: Uncertain significance. Last evaluated: 2025-07-09. Review status: criteria provided, single submitter. Criteria: GeneDx Variant Classification Process June 2021. Collection method: clinical testing. Allele origin: germline. Affected: yes.
Comment: In silico analysis suggests that this missense variant does not alter protein structure/function; Has not been previously published as pathogenic or benign to our knowledge; Not observed at significant frequency in large population cohorts (gnomAD)

NM_024496.4(IRF2BPL):c.1118A>G (p.Lys373Arg)

Gene: IRF2BPL (interferon regulatory factor 2 binding protein like; minus strand). Cytogenetic location: 14q24.3.
Variant type: single nucleotide variant.
Coding change: c.1118A>G on transcript NM_024496.4 (MANE Select); coding-DNA position 1118, A replaced by G.
Protein change: p.Lys373Arg; replaces lysine 373 with arginine.
Molecular consequence: missense variant.
Genome position (GRCh38, 1-based): chr14:77,026,675, T>C on the plus strand (A>G on the coding strand, the complement: IRF2BPL is on the minus strand). VCF-style: chr14-77026675-T-C. GRCh37 (hg19) VCF-style: chr14-77493018-T-C.
Other names: short protein forms K373R.
Identifiers: ClinVar variation 4685241 (VCV004685241.1).